The following is an entry in ClinVar:

NM_001283009.2(RTEL1):c.249T>A (p.Asp83Glu)

Genes: RTEL1 (regulator of telomere elongation helicase 1; plus strand), RTEL1-TNFRSF6B (RTEL1-TNFRSF6B readthrough (NMD candidate); plus strand). Cytogenetic location: 20q13.33.
Variant type: single nucleotide variant.
Coding change: c.249T>A on transcript NM_001283009.2 (MANE Select); coding-DNA position 249, T replaced by A.
Protein change: p.Asp83Glu; replaces aspartic acid 83 with glutamic acid.
Molecular consequence: missense variant. On other transcripts: non-coding transcript variant (1), 5 prime UTR variant (1).
Genome position (GRCh38, 1-based): chr20:63,661,444, T>A. VCF-style: chr20-63661444-T-A. GRCh37 (hg19) VCF-style: chr20-62292797-T-A.
Other names: c.-421T>A (NM_001283010.1); c.249T>A, p.Asp83Glu (NM_016434.4, NM_032957.5); short protein forms D83E.
Identifiers: ClinVar variation 4629501 (VCV004629501.1).

ClinVar aggregate classification (germline): Uncertain significance (1 of 4 stars; one submission).

Conditions:
Inborn genetic diseases. Identifiers: MedGen C0950123, MeSH D030342.

Submission:

Ambry Genetics
Classification: Uncertain significance for Inborn genetic diseases. Last evaluated: 2025-09-16. Review status: criteria provided, single submitter. Criteria: Ambry Variant Classification Scheme 2023. Collection method: clinical testing. Allele origin: germline.
Comment: The p.D83E variant (also known as c.249T>A), located in coding exon 2 of the RTEL1 gene, results from a T to A substitution at nucleotide position 249. The aspartic acid at codon 83 is replaced by glutamic acid, an amino acid with highly similar properties. This amino acid position is conserved. In addition, this alteration is predicted to be tolerated by in silico analysis. Based on the available evidence, the clinical significance of this variant remains unclear.